The following is an entry in ClinVar:

NM_000487.6(ARSA):c.200del (p.Pro67fs)

Gene: ARSA (arylsulfatase A; minus strand). Cytogenetic location: 22q13.33.
Variant type: Deletion.
Coding change: c.200del on transcript NM_000487.6 (MANE Select); coding-DNA position 200, one base deleted (C; older notation c.200delC).
Protein change: p.Pro67fs; shifts the reading frame from proline 67.
Molecular consequence: frameshift variant. On other transcripts: intron variant (2).
Genome position (GRCh38, 1-based): chr22:50,627,580, G deleted on the plus strand (C on the coding strand, the reverse complement: ARSA is on the minus strand); the first of 2 consecutive G bases (chr22:50,627,580-50,627,581); deleting either gives the same sequence. VCF-style (leftmost placement, unchanged base first): chr22-50627579-AG-A. GRCh37 (hg19) VCF-style: chr22-51066007-AG-A.
Other names: c.200delC (NM_000487.5); c.200del, p.Pro67fs (NM_001085425.3, NM_001085426.3, NM_001085427.3); c.-34-174del (NM_001362782.2, NM_001085428.3); short protein forms P67fs.
Identifiers: ClinVar variation 938972 (VCV000938972.8), dbSNP rs2082697802, ClinGen allele CA1139667182.

ClinVar aggregate classification (germline): Pathogenic/Likely pathogenic. Review status: criteria provided, multiple submitters, no conflicts (2 of 4 stars). 2 submissions from 2 submitters: Pathogenic (1); Likely pathogenic (1). Last evaluated 2024-02-07.

Conditions:
Metachromatic leukodystrophy (MLD). Also called: Arylsulfatase A Deficiency; SULFATIDE LIPIDOSIS; ARSA DEFICIENCY; CEREBROSIDE SULFATASE DEFICIENCY; Cerebral sclerosis diffuse metachromatic form; METACHROMATIC LEUKOENCEPHALOPATHY. Identifiers: Orphanet 512, MedGen C0023522, MONDO:0018868, OMIM 250100.

Submissions (2):

Labcorp Genetics (formerly Invitae), Labcorp
Classification: Pathogenic for Metachromatic leukodystrophy. Last evaluated: 2024-02-07. Review status: criteria provided, single submitter. Criteria: Invitae Variant Classification Sherloc (09022015). Collection method: clinical testing. Allele origin: germline.
Comment: This sequence change creates a premature translational stop signal (p.Pro67Leufs*13) in the ARSA gene. It is expected to result in an absent or disrupted protein product. Loss-of-function variants in ARSA are known to be pathogenic (PMID: 8962139, 10477432). This variant is not present in population databases (gnomAD no frequency). This variant has not been reported in the literature in individuals affected with ARSA-related conditions. ClinVar contains an entry for this variant (Variation ID: 938972). For these reasons, this variant has been classified as Pathogenic.

Women's Health and Genetics/Laboratory Corporation of America, LabCorp
Classification: Likely pathogenic for Metachromatic leukodystrophy. Last evaluated: 2022-11-15. Review status: criteria provided, single submitter. Criteria: LabCorp Variant Classification Summary - May 2015. Collection method: clinical testing. Allele origin: germline.
Comment: Variant summary: ARSA c.200delC (p.Pro67LeufsX13) results in a premature termination codon, predicted to cause a truncation of the encoded protein or absence of the protein due to nonsense mediated decay, which are commonly known mechanisms for disease. Truncations downstream of this position have been classified as pathogenic by our laboratory. The variant was absent in 170038 control chromosomes (gnomAD). To our knowledge, no occurrence of c.200delC in individuals affected with Metachromatic Leukodystrophy and no experimental evidence demonstrating its impact on protein function have been reported. One ClinVar submitter has assessed the variant since 2014: the variant was classified as pathogenic. Based on the evidence outlined above, the variant was classified as likely pathogenic.

Literature cited by the submitters: PubMed 8962139 (cited by Labcorp Genetics (formerly Invitae), Labcorp); PubMed 10477432 (cited by Labcorp Genetics (formerly Invitae), Labcorp).